The following is an entry in ClinVar:

ClinVar aggregate classification (germline): Uncertain significance. Review status: criteria provided, multiple submitters, no conflicts (2 of 4 stars). 3 submissions from 3 submitters: Uncertain significance (2). 1 of the submissions does not count toward it. Last evaluated 2026-09-14.

Conditions:
Familial dysautonomia. Also called: HSAN III; FD. Identifiers: Orphanet 1764, MedGen C0013364, MONDO:0009131, OMIM 223900. Disease mechanism: loss of function.

Allele frequency attached by ClinVar (database versions not stated): gnomAD exomes 0.00001 and below 0.00001; TOPMed below 0.00001; ExAC 0.00001.
gnomAD v4.1: 3 of 1,614,012 alleles (0.00019%); highest among the groups gnomAD compares: South Asian, 0.0022%; no homozygotes.

Submissions (3):

Ambry Genetics
Classification: Uncertain significance. Last evaluated: 2026-09-14. Review status: criteria provided, single submitter. Criteria: Ambry Variant Classification Scheme 2023. Collection method: clinical testing. Allele origin: germline.
Comment: The p.G19E variant (also known as c.56G>A), located in coding exon 1 of the IKBKAP gene, results from a G to A substitution at nucleotide position 56. The glycine at codon 19 is replaced by glutamic acid, an amino acid with similar properties. This amino acid position is conserved. In addition, this alteration is predicted to be tolerated by in silico analysis. Based on the available evidence, the clinical significance of this variant remains unclear.

GeneDx
Classification: Uncertain significance. Last evaluated: 2025-04-14. Review status: criteria provided, single submitter. Criteria: GeneDx Variant Classification Process June 2021. Collection method: clinical testing. Allele origin: germline. Affected: yes.
Comment: Not observed at significant frequency in large population cohorts (gnomAD); In silico analysis indicates that this missense variant does not alter protein structure/function; Has not been previously published as pathogenic or benign to our knowledge

Natera, Inc.
Classification: Uncertain significance for Familial dysautonomia. Last evaluated: 2020-01-29. Review status: no assertion criteria provided. Collection method: clinical testing. Allele origin: germline. Not counted in ClinVar's aggregate classification.

NM_003640.5(ELP1):c.56G>A (p.Gly19Glu)

Gene: ELP1 (elongator acetyltransferase complex subunit 1; minus strand). Cytogenetic location: 9q31.3.
Variant type: single nucleotide variant.
Coding change: c.56G>A on transcript NM_003640.5 (MANE Select); coding-DNA position 56, G replaced by A.
Protein change: p.Gly19Glu; replaces glycine 19 with glutamic acid.
Molecular consequence: missense variant. On other transcripts: 5 prime UTR variant (1), intron variant (1).
Genome position (GRCh38, 1-based): chr9:108,931,091, C>T on the plus strand (G>A on the coding strand, the complement: ELP1 is on the minus strand). VCF-style: chr9-108931091-C-T. GRCh37 (hg19) VCF-style: chr9-111693371-C-T.
Other names: c.-804G>A (NM_001330749.2); c.-252-35G>A (NM_001318360.2); c.56G>A (LRG_251t1); short protein forms G19E.
Identifiers: ClinVar variation 246333 (VCV000246333.5), dbSNP rs771715592, ClinGen allele CA5175476.